The following is an entry in ClinVar:

ClinVar aggregate classification (germline): Uncertain significance. Review status: criteria provided, multiple submitters, no conflicts (2 of 4 stars). 2 submissions from 2 submitters: Uncertain significance (2). Last evaluated 2025-05-25.

Conditions:
Hereditary cancer-predisposing syndrome. Also called: Tumor predisposition; Hereditary neoplastic syndrome; Neoplastic Syndromes, Hereditary; Hereditary Cancer Syndrome. Identifiers: Orphanet 140162, MedGen C0027672, MeSH D009386, MONDO:0015356.

Allele frequency attached by ClinVar (database versions not stated): TOPMed 0.00001.
gnomAD v4.1: 1 of 1,614,002 alleles (0.000062%); no homozygotes.

Submissions (2):

Ambry Genetics
Classification: Uncertain significance for Hereditary cancer-predisposing syndrome. Last evaluated: 2025-05-25. Review status: criteria provided, single submitter. Criteria: Ambry Variant Classification Scheme 2023. Collection method: clinical testing. Allele origin: germline.
Comment: The p.V1304I variant (also known as c.3910G>A), located in coding exon 25 of the RAD50 gene, results from a G to A substitution at nucleotide position 3910. The valine at codon 1304 is replaced by isoleucine, an amino acid with highly similar properties. This amino acid position is not well conserved in available vertebrate species. In addition, this alteration is predicted to be tolerated by in silico analysis. Since supporting evidence is limited at this time, the clinical significance of this alteration remains unclear.

Labcorp Genetics (formerly Invitae), Labcorp
Classification: Uncertain significance for Hereditary cancer-predisposing syndrome. Last evaluated: 2018-11-17. Review status: criteria provided, single submitter. Criteria: Invitae Variant Classification Sherloc (09022015). Collection method: clinical testing. Allele origin: germline.
Comment: In summary, the available evidence is currently insufficient to determine the role of this variant in disease. Therefore, it has been classified as a Variant of Uncertain Significance. Algorithms developed to predict the effect of missense changes on protein structure and function output the following: SIFT: "Tolerated"; PolyPhen-2: "Benign"; Align-GVGD: "Class C0". The isoleucine amino acid residue is found in multiple mammalian species, suggesting that this missense change does not adversely affect protein function. These predictions have not been confirmed by published functional studies and their clinical significance is uncertain. This variant has not been reported in the literature in individuals with RAD50-related disease. This variant is not present in population databases (ExAC no frequency). This sequence change replaces valine with isoleucine at codon 1304 of the RAD50 protein (p.Val1304Ile). The valine residue is weakly conserved and there is a small physicochemical difference between valine and isoleucine.

NM_005732.4(RAD50):c.3910G>A (p.Val1304Ile)

Genes: TH2LCRR (T helper type 2 locus control region associated RNA; minus strand), RAD50 (RAD50 double strand break repair protein; plus strand). Cytogenetic location: 5q31.1.
Variant type: single nucleotide variant.
Coding change: c.3910G>A on transcript NM_005732.4 (MANE Select); coding-DNA position 3910, G replaced by A.
Protein change: p.Val1304Ile; replaces valine 1304 with isoleucine.
Molecular consequence: missense variant.
Genome position (GRCh38, 1-based): chr5:132,642,335, G>A. VCF-style: chr5-132642335-G-A. GRCh37 (hg19) VCF-style: chr5-131978027-G-A.
Other names: short protein forms V1304I.
Identifiers: ClinVar variation 664081 (VCV000664081.14), dbSNP rs1581025217, ClinGen allele CA360937530.